The following is an entry in ClinVar:

NM_000660.7(TGFB1):c.122T>G (p.Val41Gly)

Genes: TGFB1 (transforming growth factor beta 1; minus strand), LOC130064510 (ATAC-STARR-seq lymphoblastoid silent region 10661; plus strand). Cytogenetic location: 19q13.2.
Variant type: single nucleotide variant.
Coding change: c.122T>G on transcript NM_000660.7 (MANE Select); coding-DNA position 122, T replaced by G.
Protein change: p.Val41Gly; replaces valine 41 with glycine.
Molecular consequence: missense variant.
Genome position (GRCh38, 1-based): chr19:41,352,923, A>C on the plus strand (T>G on the coding strand, the complement: TGFB1 is on the minus strand). VCF-style: chr19-41352923-A-C. GRCh37 (hg19) VCF-style: chr19-41858828-A-C.
Other names: short protein forms V41G.
Identifiers: ClinVar variation 3011318 (VCV003011318.3), dbSNP rs1017621656, ClinGen allele CA406006131.

ClinVar aggregate classification (germline): Uncertain significance (1 of 4 stars; one submission).

Allele frequency attached by ClinVar (database versions not stated): gnomAD 0.00001; gnomAD exomes 0.00001.
gnomAD v4.1: 15 of 1,556,732 alleles (0.00096%); highest among the groups gnomAD compares: Admixed American, 0.0019%; no homozygotes.

Submission:

Labcorp Genetics (formerly Invitae), Labcorp
Classification: Uncertain significance. Last evaluated: 2024-03-01. Review status: criteria provided, single submitter. Criteria: Invitae Variant Classification Sherloc (09022015). Collection method: clinical testing. Allele origin: germline.
Comment: This sequence change replaces valine, which is neutral and non-polar, with glycine, which is neutral and non-polar, at codon 41 of the TGFB1 protein (p.Val41Gly). This variant is present in population databases (no rsID available, gnomAD 0.004%). This variant has not been reported in the literature in individuals affected with TGFB1-related conditions. An algorithm developed to predict the effect of missense changes on protein structure and function (PolyPhen-2) suggests that this variant is likely to be disruptive. In summary, the available evidence is currently insufficient to determine the role of this variant in disease. Therefore, it has been classified as a Variant of Uncertain Significance.